The following is an entry in ClinVar:

ClinVar aggregate classification (germline): Uncertain significance. Review status: criteria provided, multiple submitters, no conflicts (2 of 4 stars). 4 submissions from 4 submitters: Uncertain significance (4). Last evaluated 2025-06-07.

Conditions:
Hereditary cancer-predisposing syndrome. Also called: Tumor predisposition; Hereditary neoplastic syndrome; Neoplastic Syndromes, Hereditary; Hereditary Cancer Syndrome. Identifiers: Orphanet 140162, MedGen C0027672, MeSH D009386, MONDO:0015356.
Familial adenomatous polyposis 1 (FAP1). Also called: FAMILIAL ADENOMATOUS POLYPOSIS 1, ATTENUATED; POLYPOSIS, ADENOMATOUS INTESTINAL. Identifiers: MedGen C2713442, MONDO:0021056, OMIM 175100. Disease mechanism: loss of function.

Submissions (4):

Ambry Genetics
Classification: Uncertain significance for Hereditary cancer-predisposing syndrome. Last evaluated: 2025-06-07. Review status: criteria provided, single submitter. Criteria: Ambry Variant Classification Scheme 2023. Collection method: clinical testing. Allele origin: germline.
Comment: The p.I1121T variant (also known as c.3362T>C), located in coding exon 15 of the APC gene, results from a T to C substitution at nucleotide position 3362. The isoleucine at codon 1121 is replaced by threonine, an amino acid with similar properties. This amino acid position is conserved. In addition, in silico predictors for this gene do not accurately predict pathogenicity. Based on the available evidence, the clinical significance of this variant remains unclear.

GeneDx
Classification: Uncertain significance. Last evaluated: 2024-11-18. Review status: criteria provided, single submitter. Criteria: GeneDx Variant Classification Process June 2021. Collection method: clinical testing. Allele origin: germline.
Comment: Not observed at significant frequency in large population cohorts (gnomAD); In silico analysis indicates that this missense variant does not alter protein structure/function; Has not been previously published as pathogenic or benign to our knowledge; This variant is associated with the following publications: (PMID: 18199528)

Labcorp Genetics (formerly Invitae), Labcorp
Classification: Uncertain significance for Familial adenomatous polyposis 1. Last evaluated: 2023-12-19. Review status: criteria provided, single submitter. Criteria: Invitae Variant Classification Sherloc (09022015). Collection method: clinical testing. Allele origin: germline.
Comment: This sequence change replaces isoleucine, which is neutral and non-polar, with threonine, which is neutral and polar, at codon 1121 of the APC protein (p.Ile1121Thr). This variant is not present in population databases (gnomAD no frequency). This variant has not been reported in the literature in individuals affected with APC-related conditions. ClinVar contains an entry for this variant (Variation ID: 1416036). Advanced modeling of protein sequence and biophysical properties (such as structural, functional, and spatial information, amino acid conservation, physicochemical variation, residue mobility, and thermodynamic stability) performed at Invitae indicates that this missense variant is not expected to disrupt APC protein function with a negative predictive value of 95%. In summary, the available evidence is currently insufficient to determine the role of this variant in disease. Therefore, it has been classified as a Variant of Uncertain Significance.

Quest Diagnostics Nichols Institute San Juan Capistrano
Classification: Uncertain significance. Last evaluated: 2023-06-20. Review status: criteria provided, single submitter. Criteria: Quest Diagnostics criteria. Collection method: clinical testing. Allele origin: unknown.
Comment: To the best of our knowledge, this variant has not been reported in individuals with APC-related conditions in the published literature. It also has not been reported in large, multi-ethnic general populations (Genome Aggregation Database). Analysis of this variant using bioinformatics tools for the prediction of the effect of amino acid changes on protein structure and function yielded predictions that this variant is benign. Based on the available information, we are unable to determine the clinical significance of this variant.

NM_000038.6(APC):c.3362T>C (p.Ile1121Thr)

Gene: APC (APC regulator of Wnt signaling pathway; plus strand). Cytogenetic location: 5q22.2.
Variant type: single nucleotide variant.
Coding change: c.3362T>C on transcript NM_000038.6 (MANE Select); coding-DNA position 3362, T replaced by C.
Protein change: p.Ile1121Thr; replaces isoleucine 1121 with threonine.
Molecular consequence: missense variant.
Genome position (GRCh38, 1-based): chr5:112,838,956, T>C. VCF-style: chr5-112838956-T-C. GRCh37 (hg19) VCF-style: chr5-112174653-T-C.
Other names: c.3362T>C (NM_000038.5); c.3239T>C, p.Ile1080Thr (NM_001354900.2); c.3185T>C, p.Ile1062Thr (NM_001354901.2); c.3089T>C, p.Ile1030Thr (NM_001354902.2); c.3059T>C, p.Ile1020Thr (NM_001354903.2); c.2984T>C, p.Ile995Thr (NM_001354904.2); c.2882T>C, p.Ile961Thr (NM_001354905.2); c.2513T>C, p.Ile838Thr (NM_001354906.2); and 6 more; short protein forms I1020T, I1080T, I961T, I1062T, I1093T, I1096T, I1139T, I1030T.
Identifiers: ClinVar variation 1416036 (VCV001416036.9), dbSNP rs1161411320, ClinGen allele CA16028698.